The following is an entry in ClinVar:

NM_198253.3(TERT):c.491C>T (p.Pro164Leu)

Gene: TERT (telomerase reverse transcriptase; minus strand). Cytogenetic location: 5p15.33.
Variant type: single nucleotide variant.
Coding change: c.491C>T on transcript NM_198253.3 (MANE Select); coding-DNA position 491, C replaced by T.
Protein change: p.Pro164Leu; replaces proline 164 with leucine.
Molecular consequence: missense variant. On other transcripts: non-coding transcript variant (2).
Genome position (GRCh38, 1-based): chr5:1,294,395, G>A on the plus strand (C>T on the coding strand, the complement: TERT is on the minus strand). VCF-style: chr5-1294395-G-A. GRCh37 (hg19) VCF-style: chr5-1294510-G-A.
Other names: c.491C>T, p.Pro164Leu (NM_001193376.3, NM_003219.1); short protein forms P164L.
Identifiers: ClinVar variation 3238466 (VCV003238466.1), dbSNP rs2478426855.
Genomic context (GRCh38, chr5:1,294,395, plus strand): 5'-GCCTGAGTGGCAGCGCCGAGCTGGTACAGCGGCGGCCCGCACACCTGGTAGGCGCAGCTG[G>A]GAGCCACCAGCACAAAGAGCGCGCAGCGTGCCAGCAGGTGAACCAGCACGTCGTCGCCCA-3'
Protein context (NP_937983.2, residues 154-174): ARCALFVLVA[Pro164Leu]SCAYQVCGPP

ClinVar aggregate classification (germline): Uncertain significance (1 of 4 stars; one submission).

Conditions:
Dyskeratosis congenita. Identifiers: Orphanet 1775, MedGen C0265965, MONDO:0015780.

Submission:

Ambry Genetics
Classification: Uncertain significance for Dyskeratosis congenita. Last evaluated: 2023-07-26. Review status: criteria provided, single submitter. Criteria: Ambry Variant Classification Scheme 2023. Collection method: clinical testing. Allele origin: germline.
Comment: The p.P164L variant (also known as c.491C>T), located in coding exon 2 of the TERT gene, results from a C to T substitution at nucleotide position 491. The proline at codon 164 is replaced by leucine, an amino acid with similar properties. This amino acid position is conserved. In addition, the in silico prediction for this alteration is inconclusive. Since supporting evidence is limited at this time, the clinical significance of this alteration remains unclear.